The following is an entry in ClinVar:

ClinVar aggregate classification (germline): Uncertain significance (1 of 4 stars; one submission).

Submission:

Labcorp Genetics (formerly Invitae), Labcorp
Classification: Uncertain significance. Last evaluated: 2025-04-22. Review status: criteria provided, single submitter. Criteria: Invitae Variant Classification Sherloc (09022015). Collection method: clinical testing. Allele origin: germline.
Comment: This sequence change replaces valine, which is neutral and non-polar, with leucine, which is neutral and non-polar, at codon 312 of the GSN protein (p.Val312Leu). This variant is not present in population databases (gnomAD no frequency). This variant has not been reported in the literature in individuals affected with GSN-related conditions. Invitae Evidence Modeling of protein sequence and biophysical properties (such as structural, functional, and spatial information, amino acid conservation, physicochemical variation, residue mobility, and thermodynamic stability) indicates that this missense variant is not expected to disrupt GSN protein function with a negative predictive value of 80%. In summary, the available evidence is currently insufficient to determine the role of this variant in disease. Therefore, it has been classified as a Variant of Uncertain Significance.

NM_198252.3(GSN):c.781G>C (p.Val261Leu)

Gene: GSN (gelsolin; plus strand). Cytogenetic location: 9q33.2.
Variant type: single nucleotide variant.
Coding change: c.781G>C on transcript NM_198252.3 (MANE Select); coding-DNA position 781, G replaced by C.
Protein change: p.Val261Leu; replaces valine 261 with leucine.
Molecular consequence: missense variant.
Genome position (GRCh38, 1-based): chr9:121,317,113, G>C. VCF-style: chr9-121317113-G-C. GRCh37 (hg19) VCF-style: chr9-124079391-G-C.
Other names: c.934G>C, p.Val312Leu (NM_000177.5); c.781G>C, p.Val261Leu (NM_001127662.2, NM_001127664.2, NM_001127665.2 and 10 more transcripts); c.889G>C, p.Val297Leu (NM_001127663.2); c.814G>C, p.Val272Leu (NM_001127666.2, NM_001127667.2, NM_001353063.2 and 13 more transcripts); c.832G>C, p.Val278Leu (NM_001258029.2); c.805G>C, p.Val269Leu (NM_001258030.2); c.853G>C, p.Val285Leu (NM_001353076.2); c.127G>C, p.Val43Leu (NM_001353078.2); short protein forms V261L, V269L, V272L, V278L, V285L, V297L, V312L, V43L.
Identifiers: ClinVar variation 4803957 (VCV004803957.1).